The following is an entry in ClinVar:

NM_004984.4(KIF5A):c.1611G>A (p.Gln537=)

Gene: KIF5A (kinesin family member 5A; plus strand). Cytogenetic location: 12q13.3.
Variant type: single nucleotide variant.
Coding change: c.1611G>A on transcript NM_004984.4 (MANE Select); coding-DNA position 1611, G replaced by A.
Protein change: p.Gln537=; no amino-acid change (glutamine 537 retained).
Molecular consequence: synonymous variant.
Genome position (GRCh38, 1-based): chr12:57,572,621, G>A. VCF-style: chr12-57572621-G-A. GRCh37 (hg19) VCF-style: chr12-57966404-G-A.
Other names: c.1344G>A, p.Gln448= (NM_001354705.2).
Identifiers: ClinVar variation 1628830 (VCV001628830.32), dbSNP rs756959491, ClinGen allele CA6652885.
Genomic context (GRCh38, chr12:57,572,621, plus strand): 5'-CCTGAGGGGCTGTCCCCAGGCCACCATGCTGTCCCTGGAGTCTGAGTTGCAGCGGCTACA[G>A]GAGGTCAGTGGACACCAGCGAAAACGAATTGCTGAGGTGCTGAACGGGCTGATGAAGGAT-3'
Protein context (NP_004975.2, residues 527-547): LSLESELQRL[Gln537=]EVSGHQRKRI

ClinVar aggregate classification (germline): Likely benign. Review status: criteria provided, multiple submitters, no conflicts (2 of 4 stars). 2 submissions from 2 submitters: Likely benign (2). Last evaluated 2025-07-14.

Conditions:
Spastic paraplegia. Identifiers: MedGen C0037772, HP:0001258.

Allele frequency attached by ClinVar (database versions not stated): gnomAD 0.00001; gnomAD exomes 0.00002; TOPMed 0.00002; ExAC 0.00003.
gnomAD v4.1: 31 of 1,614,148 alleles (0.0019%); highest among the groups gnomAD compares: Non-Finnish European, 0.0021%; no homozygotes.

Submissions (2):

Labcorp Genetics (formerly Invitae), Labcorp
Classification: Likely benign for Spastic paraplegia. Last evaluated: 2025-07-14. Review status: criteria provided, single submitter. Criteria: Invitae Variant Classification Sherloc (09022015). Collection method: clinical testing. Allele origin: germline.

CeGaT Center for Human Genetics Tuebingen
Classification: Likely benign. Last evaluated: 2022-07-01. Review status: criteria provided, single submitter. Criteria: CeGaT Center For Human Genetics Tuebingen Variant Classification Criteria Version 2. Collection method: clinical testing. Allele origin: germline. Affected: yes. Observed: 1 variant allele.
Comment: KIF5A: BP4, BP7